The following is an entry in ClinVar:

ClinVar aggregate classification (germline): Uncertain significance. Review status: criteria provided, single submitter (1 of 4 stars). 2 submissions from 2 submitters: Uncertain significance (1). 1 of the submissions does not count toward it. Last evaluated 2024-10-21.

Conditions:
Usher syndrome type 1B (USH1B). Also called: Usher syndrome type IB. Identifiers: MedGen C1848638, MONDO:0700087.

Allele frequency attached by ClinVar (database versions not stated): gnomAD exomes below 0.00001; ExAC 0.00001.
gnomAD v4.1: 3 of 1,611,774 alleles (0.00019%); highest among the groups gnomAD compares: Non-Finnish European, 0.00025%; no homozygotes.

Submissions (2):

Labcorp Genetics (formerly Invitae), Labcorp
Classification: Uncertain significance. Last evaluated: 2024-10-21. Review status: criteria provided, single submitter. Criteria: Invitae Variant Classification Sherloc (09022015). Collection method: clinical testing. Allele origin: germline.
Comment: This sequence change replaces serine, which is neutral and polar, with phenylalanine, which is neutral and non-polar, at codon 1559 of the MYO7A protein (p.Ser1559Phe). This variant is present in population databases (rs773381538, gnomAD 0.0009%). This variant has not been reported in the literature in individuals affected with MYO7A-related conditions. ClinVar contains an entry for this variant (Variation ID: 1057061). Invitae Evidence Modeling of protein sequence and biophysical properties (such as structural, functional, and spatial information, amino acid conservation, physicochemical variation, residue mobility, and thermodynamic stability) indicates that this missense variant is not expected to disrupt MYO7A protein function with a negative predictive value of 95%. In summary, the available evidence is currently insufficient to determine the role of this variant in disease. Therefore, it has been classified as a Variant of Uncertain Significance.

Natera, Inc.
Classification: Uncertain significance for Usher syndrome type 1B. Last evaluated: 2020-07-20. Review status: no assertion criteria provided. Collection method: clinical testing. Allele origin: germline. Not counted in ClinVar's aggregate classification.

NM_000260.4(MYO7A):c.4676C>T (p.Ser1559Phe)

Gene: MYO7A (myosin VIIA; plus strand). Cytogenetic location: 11q13.5.
Variant type: single nucleotide variant.
Coding change: c.4676C>T on transcript NM_000260.4 (MANE Select); coding-DNA position 4676, C replaced by T.
Protein change: p.Ser1559Phe; replaces serine 1559 with phenylalanine.
Molecular consequence: missense variant. On other transcripts: intron variant (2).
Genome position (GRCh38, 1-based): chr11:77,199,642, C>T. VCF-style: chr11-77199642-C-T. GRCh37 (hg19) VCF-style: chr11-76910687-C-T.
Other names: c.4536-7C>T (NM_001369365.1); c.4569-7C>T (NM_001127180.2); short protein forms S1559F.
Identifiers: ClinVar variation 1057061 (VCV001057061.10), dbSNP rs773381538, ClinGen allele CA6198517.
Genomic context (GRCh38, chr11:77,199,642, plus strand): 5'-CTGCGCCTCACTCAGGCTGGGCAGGACTGACCCCGGCGGGGCCCTGTTCTCCGTGTTGGT[C>T]CTGCAGGGGAGCGAAAACGACGGCCCCCAGCTTCACGCTGGCCACCATCAAGGGGGACGA-3'
Protein context (NP_000251.3, residues 1549-1569): TPAGPCSPCW[Ser1559Phe]CRGAKTTAPS